The following is an entry in ClinVar:

ClinVar aggregate classification (germline): Likely pathogenic. Review status: criteria provided, single submitter (1 of 4 stars). 3 submissions from 3 submitters: Likely pathogenic (1). 2 of the submissions do not count toward it. Last evaluated 2025-12-10.

Conditions:
Primary hyperoxaluria. Identifiers: Orphanet 416, MedGen C0020501, MONDO:0002474.
Primary hyperoxaluria, type I (HP1). Also called: GLYCOLIC ACIDURIA; HEPATIC AGT DEFICIENCY; OXALOSIS I; Primary hyperoxaluria type 1. Identifiers: Orphanet 416, Orphanet 93598, MedGen C0268164, MONDO:0009823, OMIM 259900. Disease mechanism: loss of function.

Submissions (3):

Women's Health and Genetics/Laboratory Corporation of America, LabCorp
Classification: Likely pathogenic for Primary hyperoxaluria. Last evaluated: 2025-12-10. Review status: criteria provided, single submitter. Criteria: LabCorp Variant Classification Summary - May 2015. Collection method: clinical testing. Allele origin: germline.
Comment: Variant summary: AGXT c.605T>A (p.Ile202Asn) results in a non-conservative amino acid change in the encoded protein sequence. Algorithms developed to predict the effect of missense changes on protein structure and function all suggest that this variant is likely to be disruptive. The variant was absent in 251136 control chromosomes (gnomAD). c.605T>A has been observed in individuals affected with Primary Hyperoxaluria Type 1 (e.g. Li_2014, Zhao_2021, Lin _2021). These data indicate that the variant is likely to be associated with disease. To our knowledge, no experimental evidence demonstrating an impact on protein function has been reported. The following publications have been ascertained in the context of this evaluation (PMID: 24934730, 32556641, 33721035). ClinVar contains an entry for this variant (Variation ID: 204116). Based on the evidence outlined above, the variant was classified as likely pathogenic.

Chinese Inherited Urolithiasis Consortium, The Affiliated Yantai Yuhuangding Hospital of Qingdao University
Classification: Pathogenic for Primary hyperoxaluria, type I. Last evaluated: 2024-08-26. Review status: no assertion criteria provided. Collection method: clinical testing. Allele origin: maternal. Affected: yes. Observed: 1 variant allele. Not counted in ClinVar's aggregate classification.

Clinical Biochemistry Laboratory, Health Services Laboratory
Classification: Pathogenic for Primary hyperoxaluria, type I. Last evaluated: 2014-11-27. Review status: no assertion criteria provided. Collection method: research. Allele origin: germline. Affected: yes. Not counted in ClinVar's aggregate classification.

Literature cited by the submitters: PubMed 24934730 (cited by Women's Health and Genetics/Laboratory Corporation of America, LabCorp and Clinical Biochemistry Laboratory, Health Services Laboratory); PubMed 33721035 (cited by Women's Health and Genetics/Laboratory Corporation of America, LabCorp); PubMed 32556641 (cited by Women's Health and Genetics/Laboratory Corporation of America, LabCorp).

NM_000030.3(AGXT):c.605T>A (p.Ile202Asn)

Gene: AGXT (alanine--glyoxylate aminotransferase; plus strand). Cytogenetic location: 2q37.3.
Variant type: single nucleotide variant.
Coding change: c.605T>A on transcript NM_000030.3 (MANE Select); coding-DNA position 605, T replaced by A.
Protein change: p.Ile202Asn; replaces isoleucine 202 with asparagine.
Molecular consequence: missense variant.
Genome position (GRCh38, 1-based): chr2:240,873,987, T>A. VCF-style: chr2-240873987-T-A. GRCh37 (hg19) VCF-style: chr2-241813404-T-A.
Other names: short protein forms I202N.
Identifiers: ClinVar variation 204116 (VCV000204116.5), dbSNP rs536352238, ClinGen allele CA275716.